The following is an entry in ClinVar:

NM_001353214.3(DYM):c.421+1G>T

Gene: DYM (dymeclin; minus strand). Cytogenetic location: 18q21.1.
Variant type: single nucleotide variant.
Coding change: c.421+1G>T on transcript NM_001353214.3 (MANE Select); the canonical splice donor site of the intron after coding-DNA position 421, G replaced by T.
Molecular consequence: splice donor variant. On other transcripts: intron variant (5).
Genome position (GRCh38, 1-based): chr18:49,378,566, C>A on the plus strand (G>T on the coding strand, the complement: DYM is on the minus strand). VCF-style: chr18-49378566-C-A. GRCh37 (hg19) VCF-style: chr18-46904936-C-A.
Other names: c.418+1G>T (NM_001374439.1, NM_001374429.1, NM_001353211.3 and 1 more transcripts); c.193+13027G>T (NM_001374443.1, NM_001374444.1, NM_001374442.1 and 2 more transcripts); c.421+1G>T (NM_001374436.1, NM_001374432.1, NM_001374437.1 and 12 more transcripts).
Identifiers: ClinVar variation 3362344 (VCV003362344.3).

ClinVar aggregate classification (germline): Likely pathogenic (1 of 4 stars; one submission).

Conditions:
Dyggve-Melchior-Clausen syndrome (DMC). Also called: Dyggve-Melchior-Clausen disease; DMC syndrome. Identifiers: Orphanet 239, MedGen C0265286, MONDO:0009130, OMIM 223800.

Submission:

Neuberg Centre For Genomic Medicine, NCGM
Classification: Likely pathogenic for Dyggve-Melchior-Clausen syndrome. Last evaluated: 2023-05-20. Review status: criteria provided, single submitter. Criteria: ACMG Guidelines, 2015. Collection method: clinical testing. Allele origin: germline. Inheritance: Autosomal recessive inheritance. Affected: yes.
Comment: The observed splice donor variant c.421+1G>T in DYM gene has not been reported previously as a pathogenic variant nor as a benign variant, to our knowledge. The c.421+1G>T variant is absent in gnomAD Exomes. The variant affects the GT donor splice site downstream of exon 5. This variant is predicted to be Damaging by SpliceAI Prediction. This variant is predicted to cause loss of normal protein function through protein truncation. Loss of function variants have been previously reported to be disease causing (Dimitrov A, et al., 2009). For these reasons, this variant has been classified as Likely Pathogenic.